The following is an entry in ClinVar:

NM_000550.3(TYRP1):c.611G>A (p.Gly204Glu)

Gene: TYRP1 (tyrosinase related protein 1; plus strand). Cytogenetic location: 9p23.
Variant type: single nucleotide variant.
Coding change: c.611G>A on transcript NM_000550.3 (MANE Select); coding-DNA position 611, G replaced by A.
Protein change: p.Gly204Glu; replaces glycine 204 with glutamic acid.
Molecular consequence: missense variant.
Genome position (GRCh38, 1-based): chr9:12,695,740, G>A. VCF-style: chr9-12695740-G-A. GRCh37 (hg19) VCF-style: chr9-12695740-G-A.
Other names: short protein forms G204E.
Identifiers: ClinVar variation 1049125 (VCV001049125.3), dbSNP rs771708962, ClinGen allele CA4985267.

ClinVar aggregate classification (germline): Uncertain significance. Review status: criteria provided, single submitter (1 of 4 stars). 2 submissions from 2 submitters: Uncertain significance (1). 1 of the submissions does not count toward it. Last evaluated 2022-04-15.

Allele frequency attached by ClinVar (database versions not stated): gnomAD 0.00001; gnomAD exomes 0.00002; ExAC 0.00003.
gnomAD v4.1: 10 of 1,614,138 alleles (0.00062%); highest among the groups gnomAD compares: South Asian, 0.011%; no homozygotes.

Submissions (2):

Labcorp Genetics (formerly Invitae), Labcorp
Classification: Uncertain significance. Last evaluated: 2022-04-15. Review status: criteria provided, single submitter. Criteria: Invitae Variant Classification Sherloc (09022015). Collection method: clinical testing. Allele origin: germline.
Comment: This sequence change replaces glycine, which is neutral and non-polar, with glutamic acid, which is acidic and polar, at codon 204 of the TYRP1 protein (p.Gly204Glu). This variant is present in population databases (rs771708962, gnomAD 0.02%). This variant has not been reported in the literature in individuals affected with TYRP1-related conditions. ClinVar contains an entry for this variant (Variation ID: 1049125). Algorithms developed to predict the effect of missense changes on protein structure and function are either unavailable or do not agree on the potential impact of this missense change (SIFT: "Tolerated"; PolyPhen-2: "Probably Damaging"; Align-GVGD: "Class C0"). In summary, the available evidence is currently insufficient to determine the role of this variant in disease. Therefore, it has been classified as a Variant of Uncertain Significance.

Department of Pathology and Laboratory Medicine, Sinai Health System
Classification: Uncertain significance. Review status: no assertion criteria provided. Collection method: clinical testing. Allele origin: unknown. Affected: yes. Study: The Canadian Open Genetics Repository (COGR). Not counted in ClinVar's aggregate classification.
Comment: The TYRP1 p.Gly204Glu variant was not identified in the literature nor was it identified in ClinVar. The variant was identified in dbSNP (ID: rs771708962) and in control databases in 5 of 250872 chromosomes at a frequency of 0.00001993 (Genome Aggregation Database March 6, 2019, v2.1.1). The variant was observed in the South Asian population in 5 of 30614 chromosomes (freq: 0.000163), but was not observed in the African, Latino, Ashkenazi Jewish, East Asian, European (Finnish), European (non-Finnish), or Other populations. The p.Gly204 residue is conserved in mammals and computational analyses (PolyPhen-2, SIFT, AlignGVGD, BLOSUM, MutationTaster) provide inconsistent predictions regarding the impact to the protein; this information is not very predictive of pathogenicity. The variant occurs outside of the splicing consensus sequence and 2 of 4 in silico or computational prediction software programs (SpliceSiteFinder, MaxEntScan, NNSPLICE, GeneSplicer) predict a greater than 10% difference in splicing; this is not very predictive of pathogenicity. In summary, based on the above information the clinical significance of this variant cannot be determined with certainty at this time. This variant is classified as a variant of uncertain significance.